The following is an entry in ClinVar:

NM_002075.4(GNB3):c.28G>A (p.Glu10Lys)

Gene: GNB3 (G protein subunit beta 3; plus strand). Cytogenetic location: 12p13.31.
Variant type: single nucleotide variant.
Coding change: c.28G>A on transcript NM_002075.4 (MANE Select); coding-DNA position 28, G replaced by A.
Protein change: p.Glu10Lys; replaces glutamic acid 10 with lysine.
Molecular consequence: missense variant.
Genome position (GRCh38, 1-based): chr12:6,841,315, G>A. VCF-style: chr12-6841315-G-A. GRCh37 (hg19) VCF-style: chr12-6950479-G-A.
Other names: c.28G>A, p.Glu10Lys (NM_001297571.2); short protein forms E10K.
Identifiers: ClinVar variation 1061550 (VCV001061550.10), dbSNP rs754210939, ClinGen allele CA232397600.

ClinVar aggregate classification (germline): Uncertain significance. Review status: criteria provided, multiple submitters, no conflicts (2 of 4 stars). 2 submissions from 2 submitters: Uncertain significance (2). Last evaluated 2021-06-17.

Submissions (2):

Blueprint Genetics
Classification: Uncertain significance. Last evaluated: 2021-06-17. Review status: criteria provided, single submitter. Criteria: ACMG Guidelines, 2015. Collection method: clinical testing. Allele origin: germline.

Labcorp Genetics (formerly Invitae), Labcorp
Classification: Uncertain significance. Last evaluated: 2020-03-17. Review status: criteria provided, single submitter. Criteria: Invitae Variant Classification Sherloc (09022015). Collection method: clinical testing. Allele origin: germline.
Comment: In summary, the available evidence is currently insufficient to determine the role of this variant in disease. Therefore, it has been classified as a Variant of Uncertain Significance. Algorithms developed to predict the effect of missense changes on protein structure and function are either unavailable or do not agree on the potential impact of this missense change (SIFT: "Deleterious"; PolyPhen-2: "Benign"; Align-GVGD: "Class C0"). This variant has not been reported in the literature in individuals with GNB3-related conditions. This variant is not present in population databases (ExAC no frequency). This sequence change replaces glutamic acid with lysine at codon 10 of the GNB3 protein (p.Glu10Lys). The glutamic acid residue is highly conserved and there is a small physicochemical difference between glutamic acid and lysine.